The following is an entry in ClinVar:

ClinVar aggregate classification (germline): Uncertain significance (1 of 4 stars; one submission).

Submission:

Labcorp Genetics (formerly Invitae), Labcorp
Classification: Uncertain significance. Last evaluated: 2021-03-26. Review status: criteria provided, single submitter. Criteria: Invitae Variant Classification Sherloc (09022015). Collection method: clinical testing. Allele origin: germline.
Comment: This sequence change falls in intron 12 of the INPPL1 gene. It does not directly change the encoded amino acid sequence of the INPPL1 protein. This variant is not present in population databases (ExAC no frequency). In summary, the available evidence is currently insufficient to determine the role of this variant in disease. Therefore, it has been classified as a Variant of Uncertain Significance. Algorithms developed to predict the effect of sequence changes on RNA splicing suggest that this variant may disrupt the consensus splice site, but this prediction has not been confirmed by published transcriptional studies. This variant has not been reported in the literature in individuals with INPPL1-related conditions.

NM_001567.4(INPPL1):c.1498-12CT[2]

Gene: INPPL1 (inositol polyphosphate phosphatase like 1; plus strand). Cytogenetic location: 11q13.4.
Variant type: Microsatellite.
Coding change: c.1498-12CT[2] on transcript NM_001567.4 (MANE Select); two copies in a row of the 2-base unit CT starting at c.1498-12; the reference has three copies in a row; one copy, 2 bases deleted.
Molecular consequence: intron variant.
Genome position (GRCh38, 1-based): chr11:72,231,490-72,231,491, CT deleted; deleting any 2 consecutive bases within chr11:72,231,486-72,231,491 gives the same sequence; the position shown is the placement nearest the transcript's 3' end. VCF-style (leftmost placement, unchanged base first): chr11-72231485-ACT-A. GRCh37 (hg19) VCF-style: chr11-71942529-ACT-A.
Identifiers: ClinVar variation 1520334 (VCV001520334.8), dbSNP rs1948833192, ClinGen allele CA1981898580.